The following is an entry in ClinVar:

ClinVar aggregate classification (germline): Pathogenic (1 of 4 stars; one submission).

Conditions:
Isolated microphthalmia 5. Also called: Posterior Microphthalmia with Retinitis Pigmentosa, Foveoschisis, and Optic Disc Drusen. Identifiers: Orphanet 251279, MedGen C1970236, MONDO:0012605, OMIM 611040.

Submission:

Labcorp Genetics (formerly Invitae), Labcorp
Classification: Pathogenic for Isolated microphthalmia 5. Last evaluated: 2025-02-06. Review status: criteria provided, single submitter. Criteria: Invitae Variant Classification Sherloc (09022015). Collection method: clinical testing. Allele origin: germline.
Comment: This sequence change creates a premature translational stop signal (p.Asp162Lysfs*31) in the MFRP gene. It is expected to result in an absent or disrupted protein product. Loss-of-function variants in MFRP are known to be pathogenic (PMID: 12140190, 15976030, 20361016). This variant is not present in population databases (gnomAD no frequency). This variant has not been reported in the literature in individuals affected with MFRP-related conditions. Algorithms developed to predict the effect of sequence changes on RNA splicing suggest that this variant may disrupt the consensus splice site. For these reasons, this variant has been classified as Pathogenic.

Literature cited by the submitters: PubMed 12140190; PubMed 15976030; PubMed 20361016.

NM_031433.4(MFRP):c.482_483insTA (p.Asp162fs)

Genes: C1QTNF5 (C1q and TNF related 5; minus strand), MFRP (membrane frizzled-related protein; minus strand). Cytogenetic location: 11q23.3.
Variant type: Insertion.
Coding change: c.482_483insTA on transcript NM_031433.4 (MANE Select); coding-DNA positions 482 to 483, TA inserted.
Protein change: p.Asp162fs; shifts the reading frame from aspartic acid 162.
Molecular consequence: frameshift variant. On other transcripts: 5 prime UTR variant (1).
Genome position: GRCh38 VCF-style: chr11-119345578-T-TTA. GRCh37 (hg19) VCF-style: chr11-119216288-T-TTA.
Other names: c.-2155_-2154insTA (NM_015645.5); short protein forms D162fs.
Identifiers: ClinVar variation 4710774 (VCV004710774.1).